The following is an entry in ClinVar:

ClinVar aggregate classification (germline): Conflicting classifications of pathogenicity. Review status: criteria provided, conflicting classifications (1 of 4 stars). 4 submissions from 4 submitters: Uncertain significance (1); Likely benign (3). Last evaluated 2026-01-31.

Conditions:
Early-infantile DEE. Also called: Early infantile epileptic encephalopathy; Early infantile epileptic encephalopathy with suppression bursts; Ohtahara syndrome. Identifiers: Orphanet 1934, MedGen C0393706, MONDO:0800491.
Inborn genetic diseases. Identifiers: MedGen C0950123, MeSH D030342.

Allele frequency attached by ClinVar (database versions not stated): TOPMed 0.00191; gnomAD 0.00201; 1000 Genomes Project 0.00240; 1000 Genomes Project 30x 0.00328.
gnomAD v4.1: 388 of 843,012 alleles (0.046%); highest among the groups gnomAD compares: African/African-American, 0.65%; 3 homozygotes.

Submissions (4):

Labcorp Genetics (formerly Invitae), Labcorp
Classification: Likely benign for Early-infantile DEE. Last evaluated: 2026-01-31. Review status: criteria provided, single submitter. Criteria: Invitae Variant Classification Sherloc (09022015). Collection method: clinical testing. Allele origin: germline.

Mayo Clinic Laboratories, Mayo Clinic
Classification: Likely benign. Last evaluated: 2025-11-02. Review status: criteria provided, single submitter. Criteria: ACMG Guidelines, 2015. Collection method: clinical testing. Allele origin: germline. Observed: 1 variant allele.
Comment: BS2, BP4

Blueprint Genetics
Classification: Likely benign. Last evaluated: 2023-07-12. Review status: criteria provided, single submitter. Criteria: ACMG Guidelines, 2015. Collection method: clinical testing. Allele origin: germline.

Ambry Genetics
Classification: Uncertain significance for Inborn genetic diseases. Last evaluated: 2023-05-17. Review status: criteria provided, single submitter. Criteria: Ambry Variant Classification Scheme 2023. Collection method: clinical testing. Allele origin: germline.

NM_006030.4(CACNA2D2):c.115G>A (p.Gly39Arg)

Gene: CACNA2D2 (calcium voltage-gated channel auxiliary subunit alpha2delta 2; minus strand). Cytogenetic location: 3p21.31.
Variant type: single nucleotide variant.
Coding change: c.115G>A on transcript NM_006030.4 (MANE Select); coding-DNA position 115, G replaced by A.
Protein change: p.Gly39Arg; replaces glycine 39 with arginine.
Molecular consequence: missense variant. On other transcripts: intron variant (1).
Genome position (GRCh38, 1-based): chr3:50,503,309, C>T on the plus strand (G>A on the coding strand, the complement: CACNA2D2 is on the minus strand). VCF-style: chr3-50503309-C-T. GRCh37 (hg19) VCF-style: chr3-50540740-C-T.
Other names: p.Gly39Arg; c.115G>A, p.Gly39Arg (NM_001005505.3, NM_001174051.3); c.-2+760G>A (NM_001291101.1); c.115G>A (NM_001174051.1); short protein forms G39R.
Identifiers: ClinVar variation 240274 (VCV000240274.15), dbSNP rs536869186, ClinGen allele CA10582198.